The following is an entry in ClinVar:

ClinVar aggregate classification (germline): Uncertain significance (1 of 4 stars; one submission).

Conditions:
Kabuki syndrome 2 (KABUK2). Also called: KDM6A-Related Kabuki Syndrome. Identifiers: Orphanet 2322, MedGen C3275495, MONDO:0010465, OMIM 300867.

Submission:

Labcorp Genetics (formerly Invitae), Labcorp
Classification: Uncertain significance for Kabuki syndrome 2. Last evaluated: 2024-06-11. Review status: criteria provided, single submitter. Criteria: Invitae Variant Classification Sherloc (09022015). Collection method: clinical testing. Allele origin: germline.
Comment: This sequence change replaces arginine, which is basic and polar, with lysine, which is basic and polar, at codon 1074 of the KDM6A protein (p.Arg1074Lys). This variant is not present in population databases (gnomAD no frequency). This variant has not been reported in the literature in individuals affected with KDM6A-related conditions. Advanced modeling of protein sequence and biophysical properties (such as structural, functional, and spatial information, amino acid conservation, physicochemical variation, residue mobility, and thermodynamic stability) performed at Invitae indicates that this missense variant is not expected to disrupt KDM6A protein function with a negative predictive value of 80%. In summary, the available evidence is currently insufficient to determine the role of this variant in disease. Therefore, it has been classified as a Variant of Uncertain Significance.

NM_001291415.2(KDM6A):c.3377G>A (p.Arg1126Lys)

Gene: KDM6A (lysine demethylase 6A; plus strand). Cytogenetic location: Xp11.3.
Variant type: single nucleotide variant.
Coding change: c.3377G>A on transcript NM_001291415.2 (MANE Select); coding-DNA position 3377, G replaced by A.
Protein change: p.Arg1126Lys; replaces arginine 1126 with lysine.
Molecular consequence: missense variant. On other transcripts: non-coding transcript variant (1).
Genome position (GRCh38, 1-based): chrX:45,082,726, G>A. VCF-style: chrX-45082726-G-A. GRCh37 (hg19) VCF-style: chrX-44941971-G-A.
Other names: c.3242G>A, p.Arg1081Lys (NM_001291416.2, NM_001419811.1); c.3086G>A, p.Arg1029Lys (NM_001291417.2); c.2984G>A, p.Arg995Lys (NM_001291418.2, NM_001419815.1); c.2333G>A, p.Arg778Lys (NM_001291421.2); c.3119G>A, p.Arg1040Lys (NM_001410742.1, NM_001419814.1); c.3377G>A, p.Arg1126Lys (NM_001419809.1); c.3275G>A, p.Arg1092Lys (NM_001419810.1, NM_001419813.1); c.3221G>A, p.Arg1074Lys (NM_001419812.1, NM_021140.4); short protein forms R1029K, R1040K, R1074K, R1081K, R1092K, R1126K, R778K, R995K.
Identifiers: ClinVar variation 3616366 (VCV003616366.2).
Genomic context (GRCh38, chrX:45,082,726, plus strand): 5'-GTATTTCTTTTTAAAAGGCATGTTTCTAATACTGTGTCTCTTTTTTAAGTTCTGGGAGGA[G>A]GAGGAAAGGACCCTTTAAAACCATAAAGTTTGGGACCAATATTGACCTATCTGATGACAA-3'
Protein context (NP_001278344.1, residues 1116-1136): ESTSSDNSGR[Arg1126Lys]RKGPFKTIKF